The following is an entry in ClinVar:

NM_001164665.2(KIAA1549):c.4210A>C (p.Asn1404His)

Gene: KIAA1549 (KIAA1549; minus strand). Cytogenetic location: 7q34.
Variant type: single nucleotide variant.
Coding change: c.4210A>C on transcript NM_001164665.2 (MANE Select); coding-DNA position 4210, A replaced by C.
Protein change: p.Asn1404His; replaces asparagine 1404 with histidine.
Molecular consequence: missense variant.
Genome position (GRCh38, 1-based): chr7:138,881,407, T>G on the plus strand (A>C on the coding strand, the complement: KIAA1549 is on the minus strand). VCF-style: chr7-138881407-T-G. GRCh37 (hg19) VCF-style: chr7-138566153-T-G.
Other names: c.4210A>C, p.Asn1404His (NM_020910.3); short protein forms N1404H.
Identifiers: ClinVar variation 1063491 (VCV001063491.8), dbSNP rs1220003118, ClinGen allele CA369376963.
Genomic context (GRCh38, chr7:138,881,407, plus strand): 5'-TGCTCTGCAACAAAGAATAATACAGAAAGCCCAATAATAACCTTCCTCTGTGACGAACAT[T>G]CTTGGAAGGGATCTTTGACTTGGGGCTTGGCACGTCTCCATTTTCCGAGGGCGTGGTGTG-3'
Protein context (NP_001158137.1, residues 1394-1414): PSPKSKIPSK[Asn1404His]VRHRGRVSPS

ClinVar aggregate classification (germline): Uncertain significance. Review status: criteria provided, multiple submitters, no conflicts (2 of 4 stars). 2 submissions from 2 submitters: Uncertain significance (2). Last evaluated 2022-08-26.

Allele frequency attached by ClinVar (database versions not stated): gnomAD exomes below 0.00001; gnomAD 0.00001; TOPMed 0.00001.
gnomAD v4.1: 8 of 1,613,624 alleles (0.0005%); highest among the groups gnomAD compares: Non-Finnish European, 0.00068%; no homozygotes.

Submissions (2):

Blueprint Genetics
Classification: Uncertain significance. Last evaluated: 2022-08-26. Review status: criteria provided, single submitter. Criteria: ACMG Guidelines, 2015. Collection method: clinical testing. Allele origin: germline.

Labcorp Genetics (formerly Invitae), Labcorp
Classification: Uncertain significance. Last evaluated: 2020-03-30. Review status: criteria provided, single submitter. Criteria: Invitae Variant Classification Sherloc (09022015). Collection method: clinical testing. Allele origin: germline.
Comment: In summary, the available evidence is currently insufficient to determine the role of this variant in disease. Therefore, it has been classified as a Variant of Uncertain Significance. Algorithms developed to predict the effect of missense changes on protein structure and function are either unavailable or do not agree on the potential impact of this missense change (SIFT: "Deleterious"; PolyPhen-2: "Probably Damaging"; Align-GVGD: "Class C0"). This variant has not been reported in the literature in individuals with KIAA1549-related conditions. This variant is not present in population databases (ExAC no frequency). This sequence change replaces asparagine with histidine at codon 1404 of the KIAA1549 protein (p.Asn1404His). The asparagine residue is moderately conserved and there is a small physicochemical difference between asparagine and histidine.